The following is an entry in ClinVar:

NM_001370298.3(FGD4):c.*4454G>A

Gene: FGD4 (FYVE, RhoGEF and PH domain containing 4; plus strand). Cytogenetic location: 12p11.21.
Variant type: single nucleotide variant.
Coding change: c.*4454G>A on transcript NM_001370298.3 (MANE Select); 4454 bases downstream of the stop codon, G replaced by A.
Molecular consequence: 3 prime UTR variant.
Genome position (GRCh38, 1-based): chr12:32,644,987, G>A. VCF-style: chr12-32644987-G-A. GRCh37 (hg19) VCF-style: chr12-32797921-G-A.
Other names: c.*4454G>A (NM_001304481.2, NM_001304484.2, NM_001330373.2 and 5 more transcripts); c.*362G>A (NM_001384126.1, NM_001384127.1, NM_001384128.1).
Identifiers: ClinVar variation 308362 (VCV000308362.33), dbSNP rs147515673, ClinGen allele CA10632588.

ClinVar aggregate classification (germline): Benign. Review status: criteria provided, multiple submitters, no conflicts (2 of 4 stars). 2 submissions from 2 submitters: Benign (2). Last evaluated 2023-07-01.

Conditions:
Charcot-Marie-Tooth disease type 4H (CMT4H). Also called: CHARCOT-MARIE-TOOTH DISEASE, DEMYELINATING, TYPE 4H; CHARCOT-MARIE-TOOTH DISEASE, AUTOSOMAL RECESSIVE, TYPE 4H; CHARCOT-MARIE-TOOTH DISEASE, DEMYELINATING, AUTOSOMAL RECESSIVE, TYPE 4H; CHARCOT-MARIE-TOOTH NEUROPATHY, TYPE 4H. Identifiers: Orphanet 99954, MedGen C1836336, MONDO:0012250, OMIM 609311.

Allele frequency attached by ClinVar (database versions not stated): 1000 Genomes Project 30x 0.00578; 1000 Genomes Project 0.00639; TOPMed 0.00923; gnomAD 0.01317 and 0.01373.

Submissions (2):

CeGaT Center for Human Genetics Tuebingen
Classification: Benign. Last evaluated: 2023-07-01. Review status: criteria provided, single submitter. Criteria: CeGaT Center For Human Genetics Tuebingen Variant Classification Criteria Version 2. Collection method: clinical testing. Allele origin: germline. Affected: yes. Observed: 8 variant alleles.
Comment: FGD4: BS1, BS2

Illumina Laboratory Services, Illumina
Classification: Benign for Charcot-Marie-Tooth disease type 4H. Last evaluated: 2018-01-12. Review status: criteria provided, single submitter. Criteria: ICSL Variant Classification Criteria 13 December 2019. Collection method: clinical testing. Allele origin: germline.
Comment: This variant was observed in the ICSL laboratory as part of a predisposition screen in an ostensibly healthy population. It had not been previously curated by ICSL or reported in the Human Gene Mutation Database (HGMD: prior to June 1st, 2018), and was therefore a candidate for classification through an automated scoring system. Utilizing variant allele frequency, disease prevalence and penetrance estimates, and inheritance mode, an automated score was calculated to assess if this variant is too frequent to cause the disease. Based on the score and internal cut-off values, a variant classified as benign is not then subjected to further curation. The score for this variant resulted in a classification of benign for this disease.